The following is an entry in ClinVar:

ClinVar aggregate classification (germline): Uncertain significance (1 of 4 stars; one submission).

Conditions:
Hereditary spastic paraplegia 30. Identifiers: Orphanet 101010, MedGen C5235139, MONDO:0012476.
Neuropathy, hereditary sensory, type 2C. Also called: Hereditary sensory and autonomic neuropathy type IIC; KIF1A-Related HSAN2 (HSAN2C). Identifiers: Orphanet 970, MedGen C3280168, MONDO:0013634, OMIM 614213.
Intellectual disability, autosomal dominant 9 (NESCAVS). Also called: NESCAV SYNDROME; KIF1A-Related Neurodevelopmental Disorder. Identifiers: Orphanet 662367, MedGen C5393830, MONDO:0013656, OMIM 614255.

gnomAD v4.1: 1 of 1,600,562 alleles (0.000062%); highest among the groups gnomAD compares: South Asian, 0.0011%; no homozygotes.

Submission:

Labcorp Genetics (formerly Invitae), Labcorp
Classification: Uncertain significance for Hereditary spastic paraplegia 30; Neuropathy, hereditary sensory, type 2C; Intellectual disability, autosomal dominant 9. Last evaluated: 2022-08-01. Review status: criteria provided, single submitter. Criteria: Invitae Variant Classification Sherloc (09022015). Collection method: clinical testing. Allele origin: germline.
Comment: In summary, the available evidence is currently insufficient to determine the role of this variant in disease. Therefore, it has been classified as a Variant of Uncertain Significance. Variants that disrupt the consensus splice site are a relatively common cause of aberrant splicing (PMID: 17576681, 9536098). Algorithms developed to predict the effect of sequence changes on RNA splicing suggest that this variant may create or strengthen a splice site. This variant has not been reported in the literature in individuals affected with KIF1A-related conditions. This variant is not present in population databases (gnomAD no frequency). This sequence change falls in intron 43 of the KIF1A gene. It does not directly change the encoded amino acid sequence of the KIF1A protein. It affects a nucleotide within the consensus splice site.

Literature cited by the submitters: PubMed 17576681; PubMed 9536098.

NM_001244008.2(KIF1A):c.5022-3C>A

Gene: KIF1A (kinesin family member 1A; minus strand). Cytogenetic location: 2q37.3.
Variant type: single nucleotide variant.
Coding change: c.5022-3C>A on transcript NM_001244008.2 (MANE Select); 3 bases into the intron before coding-DNA position 5022, C replaced by A.
Molecular consequence: intron variant.
Genome position (GRCh38, 1-based): chr2:240,719,201, G>T on the plus strand (C>A on the coding strand, the complement: KIF1A is on the minus strand). VCF-style: chr2-240719201-G-T. GRCh37 (hg19) VCF-style: chr2-241658618-G-T.
Other names: c.4719-3C>A (NM_001379653.1, NM_001379650.1, NM_001379641.1 and 2 more transcripts); c.4995-3C>A (NM_001379645.1, NM_001379633.1); c.4845-3C>A (NM_001379635.1, NM_001379646.1); c.4716-3C>A (NM_001379640.1); c.4743-3C>A (NM_001379639.1); c.4746-3C>A (NM_001379649.1, NM_001320705.2); c.4833-3C>A (NM_001379636.1); c.4998-3C>A (NM_001379632.1); and 7 more.
Identifiers: ClinVar variation 2019808 (VCV002019808.4), dbSNP rs2536596215, ClinGen allele CA2580068008.